The following is an entry in ClinVar:

ClinVar aggregate classification (germline): Conflicting classifications of pathogenicity. Review status: criteria provided, conflicting classifications (1 of 4 stars). 4 submissions from 4 submitters: Uncertain significance (2); Benign (1). 1 of the submissions does not count toward it. Last evaluated 2024-02-01.

Conditions:
Hydatidiform mole, recurrent, 1 (HYDM1). Identifiers: Orphanet 254688, Orphanet 99927, MedGen C3463897, MONDO:0009273, OMIM 231090. Disease mechanism: loss of function.

Allele frequency attached by ClinVar (database versions not stated): gnomAD exomes 0.00038 and 0.00087; ExAC 0.00102; gnomAD 0.00310 and 0.00321; TOPMed 0.00366; ESP Exome Variant Server 0.00408; 1000 Genomes Project 0.00499; 1000 Genomes Project 30x 0.00515.
gnomAD v4.1: 1,062 of 1,614,182 alleles (0.066%); highest among the groups gnomAD compares: African/African-American, 1.1%; 7 homozygotes.

Submissions (4):

CeGaT Center for Human Genetics Tuebingen
Classification: Benign. Last evaluated: 2024-02-01. Review status: criteria provided, single submitter. Criteria: CeGaT Center For Human Genetics Tuebingen Variant Classification Criteria Version 2. Collection method: clinical testing. Allele origin: germline. Affected: yes. Observed: 1 variant allele.
Comment: NLRP7: BP4, BS1, BS2

Illumina Laboratory Services, Illumina
Classification: Uncertain significance for Hydatidiform mole, recurrent, 1. Last evaluated: 2018-01-12. Review status: criteria provided, single submitter. Criteria: ICSL Variant Classification Criteria 13 December 2019. Collection method: clinical testing. Allele origin: germline.

Breakthrough Genomics
Classification: Uncertain significance. Review status: criteria provided, single submitter. Criteria: ACMG Guidelines, 2015. Collection method: not provided. Allele origin: germline. Inheritance: Autosomal dominant inheritance. Affected: yes.

Unité médicale des maladies autoinflammatoires, CHRU Montpellier
No classification provided. Condition: Hydatidiform mole. Review status: no classification provided. Collection method: not provided. Allele origin: unknown. Not counted in ClinVar's aggregate classification.

NM_001127255.2(NLRP7):c.701T>C (p.Leu234Ser)

Gene: NLRP7 (NLR family pyrin domain containing 7; minus strand). Cytogenetic location: 19q13.42.
Variant type: single nucleotide variant.
Coding change: c.701T>C on transcript NM_001127255.2 (MANE Select); coding-DNA position 701, T replaced by C.
Protein change: p.Leu234Ser; replaces leucine 234 with serine.
Molecular consequence: missense variant.
Genome position (GRCh38, 1-based): chr19:54,940,118, A>G on the plus strand (T>C on the coding strand, the complement: NLRP7 is on the minus strand). VCF-style: chr19-54940118-A-G. GRCh37 (hg19) VCF-style: chr19-55451486-A-G.
Other names: c.701T>C, p.Leu234Ser (NM_001405531.1, NM_139176.4, NM_206828.4); short protein forms L234S.
Identifiers: ClinVar variation 97805 (VCV000097805.30), dbSNP rs61732584, ClinGen allele CA150145.
Genomic context (GRCh38, chr19:54,940,118, plus strand): 5'-CCATCGACCACGAACAGGATTCTCTGTGCTTGGGCTAGGATGCTTGGAATGTCATCCTGC[A>G]ATTCAGGCCAGTCTTTGGAGATCAGCTCTGCAAAACTGCAGGGGCCCATGCGGCTGAGCT-3'
Protein context (NP_001120727.1, residues 224-244): AELISKDWPE[Leu234Ser]QDDIPSILAQ